The following is an entry in ClinVar:

ClinVar aggregate classification (germline): Uncertain significance. Review status: criteria provided, multiple submitters, no conflicts (2 of 4 stars). 2 submissions from 2 submitters: Uncertain significance (2). Last evaluated 2024-07-16.

Conditions:
Inborn genetic diseases. Identifiers: MedGen C0950123, MeSH D030342.
Joubert syndrome. Also called: CEREBELLOPARENCHYMAL DISORDER IV; JOUBERT-BOLTSHAUSER SYNDROME; Familial aplasia of the vermis. Identifiers: Orphanet 475, MedGen C5979921, MONDO:0018772.
Meckel-Gruber syndrome. Also called: DYSENCEPHALIA SPLANCHNOCYSTICA; GRUBER SYNDROME; Dysencephalia splachnocystica. Identifiers: Orphanet 564, MedGen C0265215, MONDO:0018921.

Submissions (2):

Ambry Genetics
Classification: Uncertain significance for Inborn genetic diseases. Last evaluated: 2024-07-16. Review status: criteria provided, single submitter. Criteria: Ambry Variant Classification Scheme 2023. Collection method: clinical testing. Allele origin: germline.

Labcorp Genetics (formerly Invitae), Labcorp
Classification: Uncertain significance for Joubert syndrome; Meckel-Gruber syndrome. Last evaluated: 2022-09-13. Review status: criteria provided, single submitter. Criteria: Invitae Variant Classification Sherloc (09022015). Collection method: clinical testing. Allele origin: germline.
Comment: This sequence change replaces leucine, which is neutral and non-polar, with valine, which is neutral and non-polar, at codon 689 of the TMEM67 protein (p.Leu689Val). This variant is not present in population databases (gnomAD no frequency). This variant has not been reported in the literature in individuals affected with TMEM67-related conditions. ClinVar contains an entry for this variant (Variation ID: 1405315). Advanced modeling of protein sequence and biophysical properties (such as structural, functional, and spatial information, amino acid conservation, physicochemical variation, residue mobility, and thermodynamic stability) has been performed at Invitae for this missense variant, however the output from this modeling did not meet the statistical confidence thresholds required to predict the impact of this variant on TMEM67 protein function. In summary, the available evidence is currently insufficient to determine the role of this variant in disease. Therefore, it has been classified as a Variant of Uncertain Significance.

NM_153704.6(TMEM67):c.2065C>G (p.Leu689Val)

Gene: TMEM67 (transmembrane protein 67; plus strand). Cytogenetic location: 8q22.1.
Variant type: single nucleotide variant.
Coding change: c.2065C>G on transcript NM_153704.6 (MANE Select); coding-DNA position 2065, C replaced by G.
Protein change: p.Leu689Val; replaces leucine 689 with valine.
Molecular consequence: missense variant. On other transcripts: non-coding transcript variant (1).
Genome position (GRCh38, 1-based): chr8:93,797,435, C>G. VCF-style: chr8-93797435-C-G. GRCh37 (hg19) VCF-style: chr8-94809663-C-G.
Other names: c.2065C>G (NM_153704.5); c.1822C>G, p.Leu608Val (NM_001142301.1); short protein forms L689V, L608V.
Identifiers: ClinVar variation 1405315 (VCV001405315.4), dbSNP rs576166051, ClinGen allele CA371693986.